The following is an entry in ClinVar:

ClinVar aggregate classification (germline): Uncertain significance (1 of 4 stars; one submission).

Conditions:
Hereditary spastic paraplegia 11. Also called: Spastic Paraplegia 11; Nakamura Osame syndrome; Autosomal recessive hereditary spastic paraplegia, mental impairment, and thin corpus callosum; SPASTIC PARAPLEGIA, AUTOSOMAL RECESSIVE, COMPLICATED, WITH THIN CORPUS CALLOSUM; SPASTIC PARAPLEGIA, AUTOSOMAL RECESSIVE, WITH MENTAL IMPAIRMENT AND THIN CORPUS CALLOSUM; Spastic paraplegia, mental retardation and thin corpus callosum. Identifiers: Orphanet 2822, MedGen C1858479, MONDO:0011445, OMIM 604360.

Allele frequency attached by ClinVar (database versions not stated): gnomAD 0.00001.

Submission:

Labcorp Genetics (formerly Invitae), Labcorp
Classification: Uncertain significance for Hereditary spastic paraplegia 11. Last evaluated: 2023-12-19. Review status: criteria provided, single submitter. Criteria: Invitae Variant Classification Sherloc (09022015). Collection method: clinical testing. Allele origin: germline.
Comment: This sequence change replaces alanine, which is neutral and non-polar, with glutamic acid, which is acidic and polar, at codon 20 of the SPG11 protein (p.Ala20Glu). This variant is not present in population databases (gnomAD no frequency). This variant has not been reported in the literature in individuals affected with SPG11-related conditions. Algorithms developed to predict the effect of missense changes on protein structure and function output the following: SIFT: "Not Available"; PolyPhen-2: "Not Available"; Align-GVGD: "Not Available". The glutamic acid amino acid residue is found in multiple mammalian species, which suggests that this missense change does not adversely affect protein function. In summary, the available evidence is currently insufficient to determine the role of this variant in disease. Therefore, it has been classified as a Variant of Uncertain Significance.

NM_025137.4(SPG11):c.59C>A (p.Ala20Glu)

Gene: SPG11 (SPG11 vesicle trafficking associated, spatacsin; minus strand). Cytogenetic location: 15q21.1.
Variant type: single nucleotide variant.
Coding change: c.59C>A on transcript NM_025137.4 (MANE Select); coding-DNA position 59, C replaced by A.
Protein change: p.Ala20Glu; replaces alanine 20 with glutamic acid.
Molecular consequence: missense variant.
Genome position (GRCh38, 1-based): chr15:44,663,589, G>T on the plus strand (C>A on the coding strand, the complement: SPG11 is on the minus strand). VCF-style: chr15-44663589-G-T. GRCh37 (hg19) VCF-style: chr15-44955787-G-T.
Other names: c.59C>A, p.Ala20Glu (NM_001160227.2, NM_001411132.1); short protein forms A20E.
Identifiers: ClinVar variation 2730929 (VCV002730929.3), dbSNP rs1453437368, ClinGen allele CA392238856.
Genomic context (GRCh38, chr15:44,663,589, plus strand): 5'-TGCCCCATCGCCTCGGCGGGGACTGGCACCAACAGCATCGGTAGAACCCGCCCCATGGCC[G>T]CGGTGCCCCAGCTACCGCCGGCGGAAGCAGCACTCGCGACCCCTTCCTCTGCAGCCATCT-3'
Protein context (NP_079413.3, residues 10-30): AASAGGSWGT[Ala20Glu]AMGRVLPMLL